The following is an entry in ClinVar:

NM_014425.5(INVS):c.1912C>T (p.Arg638Trp)

Gene: INVS (inversin; plus strand). Cytogenetic location: 9q31.1.
Variant type: single nucleotide variant.
Coding change: c.1912C>T on transcript NM_014425.5 (MANE Select); coding-DNA position 1912, C replaced by T.
Protein change: p.Arg638Trp; replaces arginine 638 with tryptophan.
Molecular consequence: missense variant. On other transcripts: non-coding transcript variant (1).
Genome position (GRCh38, 1-based): chr9:100,284,447, C>T. VCF-style: chr9-100284447-C-T. GRCh37 (hg19) VCF-style: chr9-103046729-C-T.
Other names: c.1624C>T, p.Arg542Trp (NM_001318381.2); c.934C>T, p.Arg312Trp (NM_001318382.2); c.1912C>T (NM_014425.4); short protein forms R312W, R542W, R638W.
Identifiers: ClinVar variation 2501444 (VCV002501444.4), dbSNP rs147420697, ClinGen allele CA5158507.

ClinVar aggregate classification (germline): Uncertain significance. Review status: criteria provided, multiple submitters, no conflicts (2 of 4 stars). 3 submissions from 3 submitters: Uncertain significance (3). Last evaluated 2026-01-11.

Conditions:
INVS-related disorder. Also called: INVS-related condition.

Allele frequency attached by ClinVar (database versions not stated): ExAC 0.00001; TOPMed 0.00002; gnomAD 0.00003; gnomAD exomes 0.00003; ESP Exome Variant Server 0.00008.
gnomAD v4.1: 53 of 1,614,036 alleles (0.0033%); highest among the groups gnomAD compares: East Asian, 0.0045%; no homozygotes.

Submissions (3):

PreventionGenetics, part of Exact Sciences
Classification: Uncertain significance for INVS-related condition. Last evaluated: 2026-01-11. Review status: criteria provided, single submitter. Criteria: ACMG Guidelines, 2015. Collection method: clinical testing. Allele origin: germline.
Comment: The INVS c.1912C>T variant is predicted to result in the amino acid substitution p.Arg638Trp. To our knowledge, this variant has not been reported in the literature. This variant is reported in 0.0040% of alleles in individuals of African descent in gnomAD. At this time, the clinical significance of this variant is uncertain due to the absence of conclusive functional and genetic evidence.

GeneDx
Classification: Uncertain significance. Last evaluated: 2025-12-03. Review status: criteria provided, single submitter. Criteria: GeneDx Variant Classification Process June 2021. Collection method: clinical testing. Allele origin: germline. Affected: yes.
Comment: In silico analysis suggests that this missense variant does not alter protein structure/function; Has not been previously published as pathogenic or benign to our knowledge

Blueprint Genetics
Classification: Uncertain significance. Last evaluated: 2024-05-30. Review status: criteria provided, single submitter. Criteria: ACMG Guidelines, 2015. Collection method: clinical testing. Allele origin: germline.